The following is an entry in ClinVar:

NM_024422.6(DSC2):c.754A>G (p.Ile252Val)

Gene: DSC2 (desmocollin 2; minus strand). Cytogenetic location: 18q12.1.
Variant type: single nucleotide variant.
Coding change: c.754A>G on transcript NM_024422.6 (MANE Select); coding-DNA position 754, A replaced by G.
Protein change: p.Ile252Val; replaces isoleucine 252 with valine.
Molecular consequence: missense variant.
Genome position (GRCh38, 1-based): chr18:31,087,690, T>C on the plus strand (A>G on the coding strand, the complement: DSC2 is on the minus strand). VCF-style: chr18-31087690-T-C. GRCh37 (hg19) VCF-style: chr18-28667653-T-C.
Other names: c.754A>G, p.Ile252Val (NM_004949.5); short protein forms I252V.
Identifiers: ClinVar variation 264041 (VCV000264041.16), dbSNP rs751996698, ClinGen allele CA039786.
Genomic context (GRCh38, chr18:31,087,690, plus strand): 5'-ACAGTTAATTTGCCATATATTGTTTAAGGAGGTACTCACCCACTCTGCAATTTTCAAAAA[T>C]TGTAAAAGTATAAGTTTCTTCTGTAAAAATTGGGTAGTTATCATTTTCATCCTCTATTTT-3'
Protein context (NP_077740.1, residues 242-262): IFTEETYTFT[Ile252Val]FENCRVGTTV

ClinVar aggregate classification (germline): Conflicting classifications of pathogenicity. Review status: criteria provided, conflicting classifications (1 of 4 stars). 4 submissions from 4 submitters: Uncertain significance (3); Likely benign (1). Last evaluated 2025-06-25.

Conditions:
Cardiovascular phenotype. Identifiers: MedGen CN230736.
Cardiomyopathy (CMYO). Also called: Cardiomyopathies. Identifiers: Orphanet 167848, MedGen C0878544, MONDO:0004994, HP:0001638. Inheritance: Various modes of inheritance.
Arrhythmogenic right ventricular dysplasia 11. Also called: Arrhythmogenic Right Ventricular Dysplasia/Cardiomyopathy11; ARRHYTHMOGENIC RIGHT VENTRICULAR DYSPLASIA, FAMILIAL, 11; Arrhythmogenic right ventricular dysplasia 11 with mild palmoplantar keratoderma and woolly hair. Identifiers: MedGen C1864850, MONDO:0012506, OMIM 610476.

Submissions (4):

GeneDx
Classification: Uncertain significance. Last evaluated: 2025-06-25. Review status: criteria provided, single submitter. Criteria: GeneDx Variant Classification Process June 2021. Collection method: clinical testing. Allele origin: germline. Affected: yes.
Comment: Not observed at significant frequency in large population cohorts (gnomAD); In silico analysis suggests that this missense variant does not alter protein structure/function; Has not been previously published as pathogenic or benign to our knowledge

Labcorp Genetics (formerly Invitae), Labcorp
Classification: Uncertain significance for Arrhythmogenic right ventricular dysplasia 11. Last evaluated: 2024-06-03. Review status: criteria provided, single submitter. Criteria: Invitae Variant Classification Sherloc (09022015). Collection method: clinical testing. Allele origin: germline.
Comment: This sequence change replaces isoleucine, which is neutral and non-polar, with valine, which is neutral and non-polar, at codon 252 of the DSC2 protein (p.Ile252Val). This variant is present in population databases (rs751996698, gnomAD 0.006%). This variant has not been reported in the literature in individuals affected with DSC2-related conditions. ClinVar contains an entry for this variant (Variation ID: 264041). Advanced modeling of protein sequence and biophysical properties (such as structural, functional, and spatial information, amino acid conservation, physicochemical variation, residue mobility, and thermodynamic stability) performed at Invitae indicates that this missense variant is not expected to disrupt DSC2 protein function with a negative predictive value of 80%. In summary, the available evidence is currently insufficient to determine the role of this variant in disease. Therefore, it has been classified as a Variant of Uncertain Significance.

Color Diagnostics, LLC DBA Color Health
Classification: Likely benign for Cardiomyopathy. Last evaluated: 2019-04-01. Review status: criteria provided, single submitter. Criteria: ACMG Guidelines, 2015. Collection method: clinical testing. Allele origin: germline.

Ambry Genetics
Classification: Uncertain significance for Cardiovascular phenotype. Last evaluated: 2015-05-18. Review status: criteria provided, single submitter. Criteria: Ambry Variant Classification Scheme 2023. Collection method: clinical testing. Allele origin: germline.
Comment: The p.I252V variant (also known as c.754A>G), located in coding exon 6 of the DSC2 gene, results from an A to G substitution at nucleotide position 754. The isoleucine at codon 252 is replaced by valine, an amino acid with highly similar properties. Based on data from ExAC, the G allele was reported in 1 of 120,580 total alleles (Exome Aggregation Consortium (ExAC), Cambridge, MA (URL) [Accessed May 15, 2015]). This variant was not reported in population based cohorts in the following databases: Database of Single Nucleotide Polymorphisms (dbSNP), NHLBI Exome Sequencing Project (ESP), and 1000 Genomes Project. In the ESP, this variant was not observed in 6,503 samples (13,006 alleles) with coverage at this position. This amino acid position is not conserved in available vertebrate species, and valine is the reference amino acid in many species. In addition, this alteration is predicted to be tolerated by in silico analysis. Since supporting evidence is limited at this time, the clinical significance of this variant remains unclear.